The following is an entry in ClinVar:

NM_014476.6(PDLIM3):c.264G>T (p.Trp88Cys)

Gene: PDLIM3 (PDZ and LIM domain 3; minus strand). Cytogenetic location: 4q35.1.
Variant type: single nucleotide variant.
Coding change: c.264G>T on transcript NM_014476.6 (MANE Select); coding-DNA position 264, G replaced by T.
Protein change: p.Trp88Cys; replaces tryptophan 88 with cysteine.
Molecular consequence: missense variant. On other transcripts: intron variant (1), non-coding transcript variant (1).
Genome position (GRCh38, 1-based): chr4:185,523,428, C>A on the plus strand (G>T on the coding strand, the complement: PDLIM3 is on the minus strand). VCF-style: chr4-185523428-C-A. GRCh37 (hg19) VCF-style: chr4-186444582-C-A.
Other names: c.94-9091G>T (NM_001257963.2); c.264G>T, p.Trp88Cys (NM_001114107.5, NM_001257962.2); short protein forms W88C.
Identifiers: ClinVar variation 1025145 (VCV001025145.9), dbSNP rs770996211, ClinGen allele CA358927529.

ClinVar aggregate classification (germline): Uncertain significance (1 of 4 stars; one submission).

Conditions:
Primary dilated cardiomyopathy (DCM). Also called: Dilated Cardiomyopathy. Identifiers: Orphanet 217604, MedGen C0007193, MeSH D002311, MONDO:0005021, HP:0001644. Inheritance: Various modes of inheritance.
Hypertrophic cardiomyopathy. Also called: HYPERTROPHIC MYOCARDIOPATHY. Identifiers: Orphanet 217569, MedGen C0007194, MeSH D002312, MONDO:0005045, HP:0001639.

gnomAD v4.1: 1 of 1,607,022 alleles (0.000062%); highest among the groups gnomAD compares: Non-Finnish European, 0.000085%; no homozygotes.

Submission:

Labcorp Genetics (formerly Invitae), Labcorp
Classification: Uncertain significance for Hypertrophic cardiomyopathy; Primary dilated cardiomyopathy. Last evaluated: 2020-06-18. Review status: criteria provided, single submitter. Criteria: Invitae Variant Classification Sherloc (09022015). Collection method: clinical testing. Allele origin: germline.
Comment: In summary, the available evidence is currently insufficient to determine the role of this variant in disease. Therefore, it has been classified as a Variant of Uncertain Significance. Algorithms developed to predict the effect of missense changes on protein structure and function are either unavailable or do not agree on the potential impact of this missense change (SIFT: "Deleterious"; PolyPhen-2: "Probably Damaging"; Align-GVGD: "Class C0"). This variant has not been reported in the literature in individuals with PDLIM3-related conditions. This variant is not present in population databases (ExAC no frequency). This sequence change replaces tryptophan with cysteine at codon 88 of the PDLIM3 protein (p.Trp88Cys). The tryptophan residue is highly conserved and there is a large physicochemical difference between tryptophan and cysteine.